The following is an entry in ClinVar:

NM_033380.3(COL4A5):c.1043G>A (p.Arg348Lys)

Gene: COL4A5 (collagen type IV alpha 5 chain; plus strand). Cytogenetic location: Xq22.3.
Variant type: single nucleotide variant.
Coding change: c.1043G>A on transcript NM_033380.3 (MANE Select); coding-DNA position 1043, G replaced by A.
Protein change: p.Arg348Lys; replaces arginine 348 with lysine.
Molecular consequence: missense variant.
Genome position (GRCh38, 1-based): chrX:108,586,625, G>A. VCF-style: chrX-108586625-G-A. GRCh37 (hg19) VCF-style: chrX-107829855-G-A.
Other names: c.1043G>A (NM_000495.3); c.1043G>A, p.Arg348Lys (NM_000495.5); short protein forms R348K.
Identifiers: ClinVar variation 418142 (VCV000418142.30), dbSNP rs377663039, ClinGen allele CA10488669.

ClinVar aggregate classification (germline): Conflicting classifications of pathogenicity. Review status: criteria provided, conflicting classifications (1 of 4 stars). 5 submissions from 5 submitters: Uncertain significance (1); Benign (1); Likely benign (2). 1 of the submissions does not count toward it. Last evaluated 2025-12-17.

Conditions:
Inborn genetic diseases. Identifiers: MedGen C0950123, MeSH D030342.
X-linked Alport syndrome (ATS1). Also called: COL4A5-Related Nephropathy; NEPHROPATHY AND DEAFNESS, X-LINKED. Identifiers: Orphanet 63, Orphanet 88917, MedGen C4746986, MONDO:0010520, OMIM 301050.

Allele frequency attached by ClinVar (database versions not stated): gnomAD 0.00004 and 0.00005; gnomAD exomes 0.00004 and 0.00005; ExAC 0.00006; TOPMed 0.00007; ESP Exome Variant Server 0.00009.
gnomAD v4.1: 64 of 1,201,544 alleles (0.0053%); highest among the groups gnomAD compares: Non-Finnish European, 0.0067%; no homozygotes.

Submissions (5):

Labcorp Genetics (formerly Invitae), Labcorp
Classification: Benign. Last evaluated: 2025-12-17. Review status: criteria provided, single submitter. Criteria: Invitae Variant Classification Sherloc (09022015). Collection method: clinical testing. Allele origin: germline.

Ambry Genetics
Classification: Uncertain significance for Inborn genetic diseases. Last evaluated: 2025-01-18. Review status: criteria provided, single submitter. Criteria: Ambry Variant Classification Scheme 2023. Collection method: clinical testing. Allele origin: germline.

CeGaT Center for Human Genetics Tuebingen
Classification: Likely benign. Last evaluated: 2024-10-01. Review status: criteria provided, single submitter. Criteria: CeGaT Center For Human Genetics Tuebingen Variant Classification Criteria Version 2. Collection method: clinical testing. Allele origin: germline. Affected: yes. Observed: 1 variant allele.
Comment: COL4A5: BP4, BS2

GeneDx
Classification: Likely benign. Last evaluated: 2020-04-01. Review status: criteria provided, single submitter. Criteria: GeneDx Variant Classification Process June 2021. Collection method: clinical testing. Allele origin: germline. Affected: yes.
Comment: In silico analysis supports that this missense variant does not alter protein structure/function; Has not been previously published as pathogenic or benign to our knowledge; Occurs in the triple helical domain within an interruption of the canonical Gly-X-Y repeat

Natera, Inc.
Classification: Likely benign for X-linked Alport syndrome. Last evaluated: 2019-10-28. Review status: no assertion criteria provided. Collection method: clinical testing. Allele origin: germline. Not counted in ClinVar's aggregate classification.